The following is an entry in ClinVar:

ClinVar aggregate classification (germline): Uncertain significance (1 of 4 stars; one submission).

Conditions:
Multiple congenital anomalies-hypotonia-seizures syndrome 1 (MCAHS1). Also called: PIGN-CDG; Congenital disorder of glycosylation due to PIGN deficiency; GLYCOSYLPHOSPHATIDYLINOSITOL BIOSYNTHESIS DEFECT 3. Identifiers: Orphanet 280633, MedGen C3279775, MONDO:0013563, OMIM 614080.

Allele frequency attached by ClinVar (database versions not stated): gnomAD 0.00001; 1000 Genomes Project 30x 0.00016; 1000 Genomes Project 0.00020.
gnomAD v4.1: 2 of 1,606,708 alleles (0.00012%); highest among the groups gnomAD compares: Admixed American, 0.0017%; no homozygotes.

Submission:

Labcorp Genetics (formerly Invitae), Labcorp
Classification: Uncertain significance for Multiple congenital anomalies-hypotonia-seizures syndrome 1. Last evaluated: 2022-08-09. Review status: criteria provided, single submitter. Criteria: Invitae Variant Classification Sherloc (09022015). Collection method: clinical testing. Allele origin: germline.
Comment: This sequence change replaces asparagine, which is neutral and polar, with tyrosine, which is neutral and polar, at codon 351 of the PIGN protein (p.Asn351Tyr). This variant is not present in population databases (gnomAD no frequency). This variant has not been reported in the literature in individuals affected with PIGN-related conditions. Algorithms developed to predict the effect of missense changes on protein structure and function are either unavailable or do not agree on the potential impact of this missense change (SIFT: "Not Available"; PolyPhen-2: "Possibly Damaging"; Align-GVGD: "Not Available"). In summary, the available evidence is currently insufficient to determine the role of this variant in disease. Therefore, it has been classified as a Variant of Uncertain Significance.

NM_176787.5(PIGN):c.1051A>T (p.Asn351Tyr)

Gene: PIGN (phosphatidylinositol glycan anchor biosynthesis class N; minus strand). Cytogenetic location: 18q21.33.
Variant type: single nucleotide variant.
Coding change: c.1051A>T on transcript NM_176787.5 (MANE Select); coding-DNA position 1051, A replaced by T.
Protein change: p.Asn351Tyr; replaces asparagine 351 with tyrosine.
Molecular consequence: missense variant.
Genome position (GRCh38, 1-based): chr18:62,139,048, T>A on the plus strand (A>T on the coding strand, the complement: PIGN is on the minus strand). VCF-style: chr18-62139048-T-A. GRCh37 (hg19) VCF-style: chr18-59806281-T-A.
Other names: c.1051A>T, p.Asn351Tyr (NM_012327.6); short protein forms N351Y.
Identifiers: ClinVar variation 2126094 (VCV002126094.1), dbSNP rs554764911, ClinGen allele CA301731110.
Genomic context (GRCh38, chr18:62,139,048, plus strand): 5'-ACTGTTCAAGAATCTGTACTGCATTTGTAAACATGCTCTCTGCTTTGAAGAGATCAGTGT[T>A]GTTAAGATAATCCACAGGAAGGATTCCCTGAAAATAACAAACACCAGCTTATTGATAGTA-3'
Protein context (NP_789744.1, residues 341-361): VGILPVDYLN[Asn351Tyr]TDLFKAESMF